The following is an entry in ClinVar:

ClinVar aggregate classification (germline): Pathogenic/Likely pathogenic. Review status: criteria provided, multiple submitters, no conflicts (2 of 4 stars). 4 submissions from 4 submitters: Pathogenic (1); Likely pathogenic (2). 1 of the submissions does not count toward it. Last evaluated 2026-04-01.

Conditions:
Primary ciliary dyskinesia. Also called: Ciliary dyskinesia. Identifiers: Orphanet 244, MedGen C0008780, MONDO:0016575, HP:0012265.

Allele frequency attached by ClinVar (database versions not stated): gnomAD exomes below 0.00001; TOPMed below 0.00001; gnomAD 0.00001.

Submissions (4):

Department of Human Genetics, Hannover Medical School
Classification: Likely pathogenic for Primary Ciliary Dyskinesia. Last evaluated: 2026-04-01. Review status: criteria provided, single submitter. Criteria: ACMG Guidelines, 2015. Collection method: research. Allele origin: germline. Affected: no.
Comment: Classification performed by HerediClassify using the following criteria:['PM2_supporting: Variant occures does not occur as homozygous in gnomAD.', 'PVS1_protein_very_strong: Transcript ENST00000294053 is predicted to undergo NMD.']

GeneDx
Classification: Likely pathogenic. Last evaluated: 2025-09-12. Review status: criteria provided, single submitter. Criteria: GeneDx Variant Classification Process June 2021. Collection method: clinical testing. Allele origin: germline. Affected: yes.
Comment: Nonsense variant predicted to result in protein truncation or nonsense mediated decay in a gene for which loss of function is a known mechanism of disease; Has not been previously published as pathogenic or benign to our knowledge

Genetic Services Laboratory, University of Chicago
Classification: Pathogenic. Last evaluated: 2017-09-13. Review status: criteria provided, single submitter. Criteria: ACMG Guidelines, 2015. Collection method: clinical testing. Allele origin: germline. Affected: yes.

Genetics and Genomic Medicine Centre, NeuroGen Healthcare, NeuroGen Healthcare
Classification: Pathogenic. Last evaluated: 2020-04-07. Review status: no assertion criteria provided. Collection method: clinical testing. Allele origin: unknown. Affected: yes. Not counted in ClinVar's aggregate classification.

NM_001258392.3(CLPB):c.829C>T (p.Arg277Ter)

Gene: CLPB (ClpB family mitochondrial disaggregase; minus strand). Cytogenetic location: 11q13.4.
Variant type: single nucleotide variant.
Coding change: c.829C>T on transcript NM_001258392.3 (MANE Select); coding-DNA position 829, C replaced by T.
Protein change: p.Arg277Ter; replaces arginine 277 with a stop codon.
Molecular consequence: nonsense.
Genome position (GRCh38, 1-based): chr11:72,329,751, G>A on the plus strand (C>T on the coding strand, the complement: CLPB is on the minus strand). VCF-style: chr11-72329751-G-A. GRCh37 (hg19) VCF-style: chr11-72040795-G-A.
Other names: c.742C>T, p.Arg248Ter (NM_001258393.3); c.784C>T, p.Arg262Ter (NM_001258394.3); c.919C>T, p.Arg307Ter (NM_030813.6); short protein forms R307*, R277*, R262*, R248*.
Identifiers: ClinVar variation 489055 (VCV000489055.9), dbSNP rs1466435969, ClinGen allele CA381741946.
Genomic context (GRCh38, chr11:72,329,751, plus strand): 5'-CTTCCCTGAGACTTACCTTGGCTTCAGAAGTCCTCAGAAGCTTCATCACTTCCCCTTCTC[G>A]GGCATAATCCAAGGGTGTGTGTCCCATTTCATTCCTCTGCAGGGGGTTGGCTCCTGGCAA-3'